The following is an entry in ClinVar:

NM_014055.4(IFT81):c.697-1G>C

Gene: IFT81 (intraflagellar transport 81; plus strand). Cytogenetic location: 12q24.11.
Variant type: single nucleotide variant.
Coding change: c.697-1G>C on transcript NM_014055.4 (MANE Select); the canonical splice acceptor site of the intron before coding-DNA position 697, G replaced by C.
Molecular consequence: splice acceptor variant.
Genome position (GRCh38, 1-based): chr12:110,136,775, G>C. VCF-style: chr12-110136775-G-C. GRCh37 (hg19) VCF-style: chr12-110574580-G-C.
Other names: c.-70-1G>C (NM_001347948.2, NM_001347947.2); c.697-1G>C (NM_001143779.2, NM_031473.4, NM_001347946.2).
Identifiers: ClinVar variation 2966622 (VCV002966622.4), dbSNP rs775681854, ClinGen allele CA243925358.

ClinVar aggregate classification (germline): Likely pathogenic (1 of 4 stars; one submission).

Allele frequency attached by ClinVar (database versions not stated): gnomAD 0.00001; TOPMed 0.00005.
gnomAD v4.1: 4 of 1,592,980 alleles (0.00025%); highest among the groups gnomAD compares: Admixed American, 0.0051%; no homozygotes.

Submissions (2):

Labcorp Genetics (formerly Invitae), Labcorp
Classification: Likely pathogenic. Last evaluated: 2022-12-04. Review status: criteria provided, single submitter. Criteria: Invitae Variant Classification Sherloc (09022015). Collection method: clinical testing. Allele origin: germline.
Comment: This sequence change affects an acceptor splice site in intron 7 of the IFT81 gene. It is expected to disrupt RNA splicing. Variants that disrupt the donor or acceptor splice site typically lead to a loss of protein function (PMID: 16199547), and loss-of-function variants in IFT81 are known to be pathogenic (PMID: 26275418, 27666822). This variant is not present in population databases (gnomAD no frequency). This variant has not been reported in the literature in individuals affected with IFT81-related conditions. Algorithms developed to predict the effect of sequence changes on RNA splicing suggest that this variant may disrupt the consensus splice site. In summary, the currently available evidence indicates that the variant is pathogenic, but additional data are needed to prove that conclusively. Therefore, this variant has been classified as Likely Pathogenic.

Dr. Peter K. Rogan Lab, Western University
No classification provided (evidence only). Condition: Hepatocellular carcinoma. Review status: no classification provided. Collection method: in vitro. Allele origin: not applicable. Functional consequence: retained intron. Not counted in ClinVar's aggregate classification.

Literature cited by the submitters: PubMed 16199547 (cited by Labcorp Genetics (formerly Invitae), Labcorp); PubMed 26275418 (cited by Labcorp Genetics (formerly Invitae), Labcorp); PubMed 27666822 (cited by Labcorp Genetics (formerly Invitae), Labcorp).